The following is an entry in ClinVar:

ClinVar aggregate classification (germline): Likely pathogenic (1 of 4 stars; one submission).

Submission:

GeneDx
Classification: Likely pathogenic. Last evaluated: 2025-03-18. Review status: criteria provided, single submitter. Criteria: GeneDx Variant Classification Process June 2021. Collection method: clinical testing. Allele origin: germline.
Comment: Nonsense variant predicted to result in protein truncation or nonsense mediated decay in a gene for which loss of function is a known mechanism of disease; Not observed at significant frequency in large population cohorts (gnomAD); Has not been previously published as pathogenic or benign to our knowledge

NM_001376.5(DYNC1H1):c.13071C>A (p.Tyr4357Ter)

Gene: DYNC1H1 (dynein cytoplasmic 1 heavy chain 1; plus strand). Cytogenetic location: 14q32.31.
Variant type: single nucleotide variant.
Coding change: c.13071C>A on transcript NM_001376.5 (MANE Select); coding-DNA position 13071, C replaced by A.
Protein change: p.Tyr4357Ter; replaces tyrosine 4357 with a stop codon.
Molecular consequence: nonsense.
Genome position (GRCh38, 1-based): chr14:102,047,881, C>A. VCF-style: chr14-102047881-C-A. GRCh37 (hg19) VCF-style: chr14-102514218-C-A.
Other names: short protein forms Y4357*.
Identifiers: ClinVar variation 3767424 (VCV003767424.2).